The following is an entry in ClinVar:

NM_130384.3(ATRIP):c.2355_2368del (p.Asp785fs)

Genes: ATRIP (ATR interacting protein; plus strand), ATRIP-TREX1 (ATRIP-TREX1 readthrough; plus strand), LOC129936704 (ATAC-STARR-seq lymphoblastoid active region 19829; plus strand). Cytogenetic location: 3p21.31.
Variant type: Deletion.
Coding change: c.2355_2368del on transcript NM_130384.3 (MANE Select); coding-DNA positions 2355 to 2368, 14 bases deleted (CCCCGAGGTGGAGT).
Protein change: p.Asp785fs; shifts the reading frame from aspartic acid 785.
Molecular consequence: frameshift variant. On other transcripts: non-coding transcript variant (1).
Genome position (GRCh38, 1-based): chr3:48,465,533-48,465,546, CCCCGAGGTGGAGT deleted. VCF-style (leftmost placement, unchanged base first): chr3-48465532-ACCCCGAGGTGGAGT-A. GRCh37 (hg19) VCF-style: chr3-48506931-ACCCCGAGGTGGAGT-A.
Other names: c.-803_-790delCCCCGAGGTGGAGT (NM_033629.4); c.1974_1987del, p.Asp658fs (NM_001271022.2); c.2076_2089del, p.Asp692fs (NM_001271023.2); c.2274_2287del, p.Asp758fs (NM_032166.4); short protein forms D785fs, D658fs, D692fs, D758fs.
Identifiers: ClinVar variation 4644592 (VCV004644592.1).

ClinVar aggregate classification (germline): Uncertain significance (1 of 4 stars; one submission).

Submission:

Ambry Genetics
Classification: Uncertain significance. Last evaluated: 2025-11-24. Review status: criteria provided, single submitter. Criteria: Ambry Variant Classification Scheme 2023. Collection method: clinical testing. Allele origin: germline.
Comment: The c.2355_2368del14 variant, located in coding exon 13 of the ATRIP gene, results from a deletion of 14 nucleotides at nucleotide positions 2355 to 2368, causing a translational frameshift with a predicted alternate stop codon (p.D785Efs*6). This alteration occurs at the 3' terminus of the gene, is not expected to trigger nonsense-mediated mRNAdecay, and impacts the last 7 amino acids of the protein. The exact functional effect of this alteration is unknown. Based on the available evidence, the clinical significance of this variant remains unclear.